The following is an entry in ClinVar:

ClinVar aggregate classification (germline): Likely benign (1 of 4 stars; one submission).

Allele frequency attached by ClinVar (database versions not stated): 1000 Genomes Project 0.00140; 1000 Genomes Project 30x 0.00172; TOPMed 0.00533; ExAC 0.00575; gnomAD 0.00643; ESP Exome Variant Server 0.00677.
gnomAD v4.1: 12,856 of 1,614,184 alleles (0.8%); highest among the groups gnomAD compares: Non-Finnish European, 0.96%; 73 homozygotes.

Submission:

CeGaT Center for Human Genetics Tuebingen
Classification: Likely benign. Last evaluated: 2024-01-01. Review status: criteria provided, single submitter. Criteria: CeGaT Center For Human Genetics Tuebingen Variant Classification Criteria Version 2. Collection method: clinical testing. Allele origin: germline. Affected: yes. Observed: 1 variant allele.
Comment: HPR: BS2

NM_020995.4(HPR):c.704C>A (p.Thr235Asn)

Gene: HPR (haptoglobin-related protein; plus strand). Cytogenetic location: 16q22.2.
Variant type: single nucleotide variant.
Coding change: c.704C>A on transcript NM_020995.4 (MANE Select); coding-DNA position 704, C replaced by A.
Protein change: p.Thr235Asn; replaces threonine 235 with asparagine.
Molecular consequence: missense variant.
Genome position (GRCh38, 1-based): chr16:72,076,738, C>A. VCF-style: chr16-72076738-C-A. GRCh37 (hg19) VCF-style: chr16-72110637-C-A.
Other names: c.344C>A, p.Thr115Asn (NM_001384360.1); short protein forms T115N, T235N.
Identifiers: ClinVar variation 3024688 (VCV003024688.22), dbSNP rs147899609, ClinGen allele CA8159593.